The following is an entry in ClinVar:

NM_001349253.2(SCN11A):c.4966C>G (p.Pro1656Ala)

Gene: SCN11A (sodium voltage-gated channel alpha subunit 11; minus strand). Cytogenetic location: 3p22.2.
Variant type: single nucleotide variant.
Coding change: c.4966C>G on transcript NM_001349253.2 (MANE Select); coding-DNA position 4966, C replaced by G.
Protein change: p.Pro1656Ala; replaces proline 1656 with alanine.
Molecular consequence: missense variant.
Genome position (GRCh38, 1-based): chr3:38,847,104, G>C on the plus strand (C>G on the coding strand, the complement: SCN11A is on the minus strand). VCF-style: chr3-38847104-G-C. GRCh37 (hg19) VCF-style: chr3-38888595-G-C.
Other names: c.4966C>G, p.Pro1656Ala (NM_014139.3); short protein forms P1656A.
Identifiers: ClinVar variation 644943 (VCV000644943.6), dbSNP rs757777457, ClinGen allele CA2321431.

ClinVar aggregate classification (germline): Uncertain significance. Review status: criteria provided, multiple submitters, no conflicts (2 of 4 stars). 2 submissions from 2 submitters: Uncertain significance (2). Last evaluated 2024-02-25.

Conditions:
Hereditary sensory and autonomic neuropathy type 7. Also called: Neuropathy, hereditary sensory and autonomic, type VII; HSAN VII. Identifiers: Orphanet 391397, MedGen C3809882, MONDO:0014244, OMIM 615548.
Familial episodic pain syndrome with predominantly lower limb involvement. Also called: Episodic pain syndrome, familial, 3. Identifiers: Orphanet 391384, Orphanet 391392, MedGen C3809899, MONDO:0014247, OMIM 615552.

Allele frequency attached by ClinVar (database versions not stated): TOPMed 0.00002.
gnomAD v4.1: 42 of 1,614,004 alleles (0.0026%); highest among the groups gnomAD compares: African/African-American, 0.0027%; no homozygotes.

Submissions (2):

Labcorp Genetics (formerly Invitae), Labcorp
Classification: Uncertain significance for Familial episodic pain syndrome with predominantly lower limb involvement; Hereditary sensory and autonomic neuropathy type 7. Last evaluated: 2024-02-25. Review status: criteria provided, single submitter. Criteria: Invitae Variant Classification Sherloc (09022015). Collection method: clinical testing. Allele origin: germline.
Comment: This sequence change replaces proline, which is neutral and non-polar, with alanine, which is neutral and non-polar, at codon 1656 of the SCN11A protein (p.Pro1656Ala). This variant is present in population databases (rs757777457, gnomAD 0.03%). This variant has not been reported in the literature in individuals affected with SCN11A-related conditions. ClinVar contains an entry for this variant (Variation ID: 644943). Advanced modeling of protein sequence and biophysical properties (such as structural, functional, and spatial information, amino acid conservation, physicochemical variation, residue mobility, and thermodynamic stability) performed at Invitae indicates that this missense variant is expected to disrupt SCN11A protein function with a positive predictive value of 80%. In summary, the available evidence is currently insufficient to determine the role of this variant in disease. Therefore, it has been classified as a Variant of Uncertain Significance.

GeneDx
Classification: Uncertain significance. Last evaluated: 2023-02-08. Review status: criteria provided, single submitter. Criteria: GeneDx Variant Classification Process June 2021. Collection method: clinical testing. Allele origin: germline. Affected: yes.
Comment: In silico analysis supports that this missense variant has a deleterious effect on protein structure/function; Has not been previously published as pathogenic or benign to our knowledge